The following is an entry in ClinVar:

ClinVar aggregate classification (germline): Uncertain significance. Review status: criteria provided, multiple submitters, no conflicts (2 of 4 stars). 4 submissions from 4 submitters: Uncertain significance (3). 1 of the submissions does not count toward it. Last evaluated 2025-10-30.

Conditions:
Prostate cancer, hereditary, 1 (HPC1). Identifiers: Orphanet 1331, MedGen C4722327, MONDO:0011098, OMIM 601518.
Prostate cancer, hereditary, 9 (HPC9). Identifiers: Orphanet 1331, MedGen C1970250, MONDO:0012597, OMIM 610997.
Hereditary cancer-predisposing syndrome. Also called: Neoplastic Syndromes, Hereditary; Tumor predisposition; Hereditary neoplastic syndrome; Hereditary Cancer Syndrome. Identifiers: Orphanet 140162, MedGen C0027672, MeSH D009386, MONDO:0015356.

gnomAD v4.1: 2 of 1,610,008 alleles (0.00012%); highest among the groups gnomAD compares: South Asian, 0.0011%; no homozygotes.

Submissions (4):

Labcorp Genetics (formerly Invitae), Labcorp
Classification: Uncertain significance. Last evaluated: 2025-10-30. Review status: criteria provided, single submitter. Criteria: Invitae Variant Classification Sherloc (09022015). Collection method: clinical testing. Allele origin: germline.
Comment: This sequence change replaces alanine, which is neutral and non-polar, with proline, which is neutral and non-polar, at codon 212 of the HOXB13 protein (p.Ala212Pro). This variant is not present in population databases (gnomAD no frequency). This variant has not been reported in the literature in individuals affected with HOXB13-related conditions. ClinVar contains an entry for this variant (Variation ID: 691127). Invitae Evidence Modeling of protein sequence and biophysical properties (such as structural, functional, and spatial information, amino acid conservation, physicochemical variation, residue mobility, and thermodynamic stability) indicates that this missense variant is not expected to disrupt HOXB13 protein function with a negative predictive value of 80%. In summary, the available evidence is currently insufficient to determine the role of this variant in disease. Therefore, it has been classified as a Variant of Uncertain Significance.

Ambry Genetics
Classification: Uncertain significance for Hereditary cancer-predisposing syndrome. Last evaluated: 2025-04-02. Review status: criteria provided, single submitter. Criteria: Ambry Variant Classification Scheme 2023. Collection method: clinical testing. Allele origin: germline.
Comment: The p.A212P variant (also known as c.634G>C), located in coding exon 2 of the HOXB13 gene, results from a G to C substitution at nucleotide position 634. The alanine at codon 212 is replaced by proline, an amino acid with highly similar properties. This amino acid position is poorly conserved in available vertebrate species. In addition, this alteration is predicted to be tolerated by in silico analysis. Based on the available evidence, the clinical significance of this variant remains unclear.

Fulgent Genetics
Classification: Uncertain significance for Prostate cancer, hereditary, 9. Last evaluated: 2024-02-26. Review status: criteria provided, single submitter. Criteria: ACMG Guidelines, 2015. Collection method: clinical testing. Allele origin: germline.

Laboratory of Virology, Microbiology,  Quality and Medical Biotechnologies, Faculty of Sciences and Techniques - Mohammedia, Hassan II University of Casablanca
Classification: Uncertain significance for Prostate cancer, hereditary, 1. Review status: no assertion criteria provided. Collection method: clinical testing. Allele origin: somatic. Affected: yes. Not counted in ClinVar's aggregate classification.

NM_006361.6(HOXB13):c.634G>C (p.Ala212Pro)

Gene: HOXB13 (homeobox B13; minus strand). Cytogenetic location: 17q21.32.
Variant type: single nucleotide variant.
Coding change: c.634G>C on transcript NM_006361.6 (MANE Select); coding-DNA position 634, G replaced by C.
Protein change: p.Ala212Pro; replaces alanine 212 with proline.
Molecular consequence: missense variant.
Genome position (GRCh38, 1-based): chr17:48,727,011, C>G on the plus strand (G>C on the coding strand, the complement: HOXB13 is on the minus strand). VCF-style: chr17-48727011-C-G. GRCh37 (hg19) VCF-style: chr17-46804373-C-G.
Other names: short protein forms A212P.
Identifiers: ClinVar variation 691127 (VCV000691127.9), dbSNP rs145059285, ClinGen allele CA400106966.